The following is an entry in ClinVar:

ClinVar aggregate classification (germline): Benign (1 of 4 stars; one submission).

Allele frequency attached by ClinVar (database versions not stated): gnomAD 0.03557.

Submission:

CeGaT Center for Human Genetics Tuebingen
Classification: Benign. Last evaluated: 2022-10-01. Review status: criteria provided, single submitter. Criteria: CeGaT Center For Human Genetics Tuebingen Variant Classification Criteria Version 2. Collection method: clinical testing. Allele origin: germline. Affected: yes. Observed: 5 variant alleles.
Comment: PCSK9: BS1, BS2

NM_174936.4(PCSK9):c.996+44A>T

Gene: PCSK9 (proprotein convertase subtilisin/kexin type 9; plus strand). Cytogenetic location: 1p32.3.
Variant type: single nucleotide variant.
Coding change: c.996+44A>T on transcript NM_174936.4 (MANE Select); 44 bases into the intron after coding-DNA position 996, A replaced by T.
Molecular consequence: intron variant.
Genome position (GRCh38, 1-based): chr1:55,056,233, A>T. VCF-style: chr1-55056233-A-T. GRCh37 (hg19) VCF-style: chr1-55521906-A-T.
Identifiers: ClinVar variation 1711218 (VCV001711218.30), dbSNP rs67578331, ClinGen allele CA871485.